The following is an entry in ClinVar:

ClinVar aggregate classification (germline): Pathogenic. Review status: criteria provided, multiple submitters, no conflicts (2 of 4 stars). 2 submissions from 2 submitters: Pathogenic (2). Last evaluated 2024-02-08.

Conditions:
Propionic acidemia (PROP). Also called: GLYCINEMIA, KETOTIC; HYPERGLYCINEMIA WITH KETOACIDOSIS AND LEUKOPENIA; KETOTIC HYPERGLYCINEMIA. Identifiers: Orphanet 35, MedGen C0268579, MONDO:0011628, OMIM 606054, HP:0003571.

Submissions (2):

Fulgent Genetics
Classification: Pathogenic for Propionic acidemia. Last evaluated: 2024-02-08. Review status: criteria provided, single submitter. Criteria: ACMG Guidelines, 2015. Collection method: clinical testing. Allele origin: germline.

Institute of Medical Genetics and Genomics, Sir Ganga Ram Hospital
Classification: Pathogenic for Propionic Acidemia. Last evaluated: 2014-01-01. Review status: criteria provided, single submitter. Criteria: Gupta et al. (Genet Test Mol Biomarkers 2016). Collection method: research. Allele origin: germline. Affected: yes. Observed: 1 variant allele. Study: ORGANIC ACIDURIAS.
Comment: Small deletion mutation

NM_000282.4(PCCA):c.184del (p.Thr62fs)

Gene: PCCA (propionyl-CoA carboxylase subunit alpha; plus strand). Cytogenetic location: 13q32.3.
Variant type: Deletion.
Coding change: c.184del on transcript NM_000282.4 (MANE Select); coding-DNA position 184, one base deleted (A; older notation c.184delA).
Protein change: p.Thr62fs; shifts the reading frame from threonine 62.
Molecular consequence: frameshift variant. On other transcripts: 5 prime UTR variant (3), non-coding transcript variant (4), intron variant (3).
Genome position (GRCh38, 1-based): chr13:100,102,960, A deleted; the last of 5 consecutive A bases (chr13:100,102,956-100,102,960); deleting any one gives the same sequence. VCF-style (leftmost placement, unchanged base first): chr13-100102955-GA-G. GRCh37 (hg19) VCF-style: chr13-100755209-GA-G.
Other names: c.183_183delA (NM_000282.3); c.184del, p.Thr62fs (NM_001178004.2, NM_001352605.2, NM_001352606.2 and 1 more transcripts); c.-683del (NM_001352610.2, NM_001352611.2, NM_001352612.2); c.106-8881del (NM_001127692.3, NM_001352607.2, NM_001352608.2); c.183del (NM_000282.4); short protein forms T62fs.
Identifiers: ClinVar variation 218265 (VCV000218265.3), dbSNP rs879253812, ClinGen allele CA10575821.